The following is an entry in ClinVar:

NM_012388.4(BLOC1S6):c.157G>A (p.Ala53Thr)

Gene: BLOC1S6 (biogenesis of lysosomal organelles complex 1 subunit 6; plus strand). Cytogenetic location: 15q21.1.
Variant type: single nucleotide variant.
Coding change: c.157G>A on transcript NM_012388.4 (MANE Select); coding-DNA position 157, G replaced by A.
Protein change: p.Ala53Thr; replaces alanine 53 with threonine.
Molecular consequence: missense variant. On other transcripts: non-coding transcript variant (5).
Genome position (GRCh38, 1-based): chr15:45,592,209, G>A. VCF-style: chr15-45592209-G-A. GRCh37 (hg19) VCF-style: chr15-45884407-G-A.
Other names: c.172G>A, p.Ala58Thr (NM_001311255.1, NM_001311256.1); short protein forms A53T, A58T.
Identifiers: ClinVar variation 2185742 (VCV002185742.1), dbSNP rs2542271264, ClinGen allele CA392298821.

ClinVar aggregate classification (germline): Uncertain significance (1 of 4 stars; one submission).

Conditions:
Hermansky-Pudlak syndrome 9 (HPS9). Identifiers: Orphanet 280663, Orphanet 79430, MedGen C3280026, MONDO:0013606, OMIM 614171.

Submission:

Labcorp Genetics (formerly Invitae), Labcorp
Classification: Uncertain significance for Hermansky-Pudlak syndrome 9. Last evaluated: 2022-07-05. Review status: criteria provided, single submitter. Criteria: Invitae Variant Classification Sherloc (09022015). Collection method: clinical testing. Allele origin: germline.
Comment: This sequence change replaces alanine, which is neutral and non-polar, with threonine, which is neutral and polar, at codon 53 of the BLOC1S6 protein (p.Ala53Thr). This variant is not present in population databases (gnomAD no frequency). This variant has not been reported in the literature in individuals affected with BLOC1S6-related conditions. Algorithms developed to predict the effect of missense changes on protein structure and function (SIFT, PolyPhen-2, Align-GVGD) all suggest that this variant is likely to be tolerated. In summary, the available evidence is currently insufficient to determine the role of this variant in disease. Therefore, it has been classified as a Variant of Uncertain Significance.